The following is an entry in ClinVar:

NM_182961.4(SYNE1):c.7713-12C>T

Gene: SYNE1 (spectrin repeat containing nuclear envelope protein 1; minus strand). Cytogenetic location: 6q25.2.
Variant type: single nucleotide variant.
Coding change: c.7713-12C>T on transcript NM_182961.4 (MANE Select); 12 bases into the intron before coding-DNA position 7713, C replaced by T.
Molecular consequence: intron variant.
Genome position (GRCh38, 1-based): chr6:152,391,580, G>A on the plus strand (C>T on the coding strand, the complement: SYNE1 is on the minus strand). VCF-style: chr6-152391580-G-A. GRCh37 (hg19) VCF-style: chr6-152712715-G-A.
Other names: c.7734-12C>T (NM_033071.5).
Identifiers: ClinVar variation 355908 (VCV000355908.9), dbSNP rs550804556, ClinGen allele CA10621706.

ClinVar aggregate classification (germline): Benign/Likely benign. Review status: criteria provided, multiple submitters, no conflicts (2 of 4 stars). 4 submissions from 3 submitters: Benign (3); Likely benign (1). Last evaluated 2023-12-14.

Conditions:
Autosomal recessive ataxia, Beauce type. Also called: Spinocerebellar ataxia, autosomal recessive 8; ATAXIA, RECESSIVE, OF BEAUCE; SYNE1 Deficiency; SYNE1-Related Autosomal Recessive Cerebellar Ataxia. Identifiers: Orphanet 88644, MedGen C1853116, MONDO:0012549, OMIM 610743.
Emery-Dreifuss muscular dystrophy 4, autosomal dominant (EDMD4). Also called: EMERY-DREIFUSS MUSCULAR DYSTROPHY 4 WITH VARIABLE FEATURES. Identifiers: Orphanet 261, MedGen C2751807, MONDO:0013071, OMIM 612998.

Allele frequency attached by ClinVar (database versions not stated): gnomAD 0.00046; 1000 Genomes Project 0.16973.

Submissions (12):

Labcorp Genetics (formerly Invitae), Labcorp
Classification: Likely benign for Emery-Dreifuss muscular dystrophy 4, autosomal dominant; Autosomal recessive ataxia, Beauce type. Last evaluated: 2023-12-14. Review status: criteria provided, single submitter. Criteria: Invitae Variant Classification Sherloc (09022015). Collection method: clinical testing. Allele origin: germline.

Illumina Laboratory Services, Illumina
Classification: Benign for Autosomal recessive ataxia, Beauce type. Last evaluated: 2018-01-12. Review status: criteria provided, single submitter. Criteria: ICSL Variant Classification Criteria 13 December 2019. Collection method: clinical testing. Allele origin: germline.
Comment: This variant was observed in the ICSL laboratory as part of a predisposition screen in an ostensibly healthy population. It had not been previously curated by ICSL or reported in the Human Gene Mutation Database (HGMD: prior to June 1st, 2018), and was therefore a candidate for classification through an automated scoring system. Utilizing variant allele frequency, disease prevalence and penetrance estimates, and inheritance mode, an automated score was calculated to assess if this variant is too frequent to cause the disease. Based on the score and internal cut-off values, a variant classified as benign is not then subjected to further curation. The score for this variant resulted in a classification of benign for this disease.

Illumina Laboratory Services, Illumina
Classification: Benign for Emery-Dreifuss muscular dystrophy 4, autosomal dominant. Last evaluated: 2018-01-12. Review status: criteria provided, single submitter. Criteria: ICSL Variant Classification Criteria 13 December 2019. Collection method: clinical testing. Allele origin: germline.
Comment: the same text as in the submission from Illumina Laboratory Services, Illumina above.

GeneDx
Classification: Benign. Last evaluated: 2016-11-01. Review status: criteria provided, single submitter. Criteria: GeneDx Variant Classification (06012015). Collection method: clinical testing. Allele origin: germline. Affected: yes.
Comment: This variant is considered likely benign or benign based on one or more of the following criteria: it is a conservative change, it occurs at a poorly conserved position in the protein, it is predicted to be benign by multiple in silico algorithms, and/or has population frequency not consistent with disease.

Dr. Peter K. Rogan Lab, Western University
No classification provided (evidence only). Condition: Lung cancer. Review status: no classification provided. Collection method: in vitro. Allele origin: not applicable. Functional consequence: retained intron. Not counted in ClinVar's aggregate classification.

Dr. Peter K. Rogan Lab, Western University
No classification provided (evidence only). Condition: Uterine corpus endometrial carcinoma. Review status: no classification provided. Collection method: in vitro. Allele origin: not applicable. Functional consequence: retained intron. Not counted in ClinVar's aggregate classification.

Dr. Peter K. Rogan Lab, Western University
No classification provided (evidence only). Condition: Uterine corpus endometrial carcinoma. Review status: no classification provided. Collection method: in vitro. Allele origin: not applicable. Functional consequence: retained intron. Not counted in ClinVar's aggregate classification.

Dr. Peter K. Rogan Lab, Western University
No classification provided (evidence only). Condition: Cervical cancer. Review status: no classification provided. Collection method: in vitro. Allele origin: not applicable. Functional consequence: retained intron. Not counted in ClinVar's aggregate classification.

Dr. Peter K. Rogan Lab, Western University
No classification provided (evidence only). Condition: Sarcoma. Review status: no classification provided. Collection method: in vitro. Allele origin: not applicable. Functional consequence: retained intron. Not counted in ClinVar's aggregate classification.

Dr. Peter K. Rogan Lab, Western University
No classification provided (evidence only). Condition: Thymoma. Review status: no classification provided. Collection method: in vitro. Allele origin: not applicable. Functional consequence: retained intron. Not counted in ClinVar's aggregate classification.

Dr. Peter K. Rogan Lab, Western University
No classification provided (evidence only). Condition: Ovarian serous cystadenocarcinoma. Review status: no classification provided. Collection method: in vitro. Allele origin: not applicable. Functional consequence: retained intron. Not counted in ClinVar's aggregate classification.

Dr. Peter K. Rogan Lab, Western University
No classification provided (evidence only). Condition: Malignant tumor of esophagus. Review status: no classification provided. Collection method: in vitro. Allele origin: not applicable. Functional consequence: retained intron. Not counted in ClinVar's aggregate classification.